The following is an entry in ClinVar:

ClinVar aggregate classification (germline): Uncertain significance (1 of 4 stars; one submission).

Submission:

Labcorp Genetics (formerly Invitae), Labcorp
Classification: Uncertain significance. Last evaluated: 2022-03-22. Review status: criteria provided, single submitter. Criteria: Invitae Variant Classification Sherloc (09022015). Collection method: clinical testing. Allele origin: germline.
Comment: In summary, the available evidence is currently insufficient to determine the role of this variant in disease. Therefore, it has been classified as a Variant of Uncertain Significance. Algorithms developed to predict the effect of missense changes on protein structure and function are either unavailable or do not agree on the potential impact of this missense change (SIFT: "Deleterious"; PolyPhen-2: "Possibly Damaging"; Align-GVGD: "Class C0"). ClinVar contains an entry for this variant (Variation ID: 1052574). This variant has not been reported in the literature in individuals affected with USH2A-related conditions. This variant is not present in population databases (gnomAD no frequency). This sequence change replaces isoleucine, which is neutral and non-polar, with methionine, which is neutral and non-polar, at codon 2766 of the USH2A protein (p.Ile2766Met).

NM_206933.4(USH2A):c.8298C>G (p.Ile2766Met)

Gene: USH2A (usherin; minus strand). Cytogenetic location: 1q41.
Variant type: single nucleotide variant.
Coding change: c.8298C>G on transcript NM_206933.4 (MANE Select); coding-DNA position 8298, C replaced by G.
Protein change: p.Ile2766Met; replaces isoleucine 2766 with methionine.
Molecular consequence: missense variant.
Genome position (GRCh38, 1-based): chr1:215,879,024, G>C on the plus strand (C>G on the coding strand, the complement: USH2A is on the minus strand). VCF-style: chr1-215879024-G-C. GRCh37 (hg19) VCF-style: chr1-216052366-G-C.
Other names: short protein forms I2766M.
Identifiers: ClinVar variation 1052574 (VCV001052574.8), dbSNP rs2102451906, ClinGen allele CA344832357.